The following is an entry in ClinVar:

ClinVar aggregate classification (germline): Uncertain significance (1 of 4 stars; one submission).

Allele frequency attached by ClinVar (database versions not stated): ExAC 0.00004; gnomAD 0.00001.
gnomAD v4.1: 5 of 1,578,350 alleles (0.00032%); highest among the groups gnomAD compares: Admixed American, 0.0037%; no homozygotes.

Submission:

Labcorp Genetics (formerly Invitae), Labcorp
Classification: Uncertain significance. Last evaluated: 2023-05-05. Review status: criteria provided, single submitter. Criteria: Invitae Variant Classification Sherloc (09022015). Collection method: clinical testing. Allele origin: germline.
Comment: ClinVar contains an entry for this variant (Variation ID: 1477016). This variant has not been reported in the literature in individuals affected with PAX1-related conditions. This variant is not present in population databases (gnomAD no frequency). This sequence change replaces proline, which is neutral and non-polar, with arginine, which is basic and polar, at codon 480 of the PAX1 protein (p.Pro480Arg). Algorithms developed to predict the effect of missense changes on protein structure and function output the following: SIFT: "Not Available"; PolyPhen-2: "Benign"; Align-GVGD: "Not Available". The arginine amino acid residue is found in multiple mammalian species, which suggests that this missense change does not adversely affect protein function. In summary, the available evidence is currently insufficient to determine the role of this variant in disease. Therefore, it has been classified as a Variant of Uncertain Significance.

NM_001257096.2(PAX1):c.*75C>G

Gene: PAX1 (paired box 1; plus strand). Cytogenetic location: 20p11.22.
Variant type: single nucleotide variant.
Coding change: c.*75C>G on transcript NM_001257096.2 (MANE Select); 75 bases downstream of the stop codon, C replaced by G.
Molecular consequence: 3 prime UTR variant. On other transcripts: missense variant (1).
Genome position (GRCh38, 1-based): chr20:21,714,637, C>G. VCF-style: chr20-21714637-C-G. GRCh37 (hg19) VCF-style: chr20-21695275-C-G.
Other names: c.1439C>G, p.Pro480Arg (NM_006192.5); short protein forms P480R.
Identifiers: ClinVar variation 1477016 (VCV001477016.6), dbSNP rs769268661, ClinGen allele CA9786789.